The following is an entry in ClinVar:

ClinVar aggregate classification (germline): Likely benign. Review status: criteria provided, multiple submitters, no conflicts (2 of 4 stars). 3 submissions from 3 submitters: Likely benign (3). Last evaluated 2025-08-13.

Conditions:
Familial isolated arrhythmogenic right ventricular dysplasia. Identifiers: Orphanet 217656, MedGen C4274968, MONDO:0016342.
Arrhythmogenic right ventricular dysplasia 11. Also called: Arrhythmogenic Right Ventricular Dysplasia/Cardiomyopathy11; ARRHYTHMOGENIC RIGHT VENTRICULAR DYSPLASIA, FAMILIAL, 11; Arrhythmogenic right ventricular dysplasia 11 with mild palmoplantar keratoderma and woolly hair. Identifiers: MedGen C1864850, MONDO:0012506, OMIM 610476.

Allele frequency attached by ClinVar (database versions not stated): gnomAD exomes below 0.00001; gnomAD 0.00001; TOPMed 0.00001.
gnomAD v4.1: 4 of 1,613,934 alleles (0.00025%); highest among the groups gnomAD compares: Admixed American, 0.0033%; no homozygotes.

Submissions (3):

Labcorp Genetics (formerly Invitae), Labcorp
Classification: Likely benign for Arrhythmogenic right ventricular dysplasia 11. Last evaluated: 2025-08-13. Review status: criteria provided, single submitter. Criteria: Invitae Variant Classification Sherloc (09022015). Collection method: clinical testing. Allele origin: germline.

All of Us Research Program, National Institutes of Health
Classification: Likely benign for Familial isolated arrhythmogenic right ventricular dysplasia. Last evaluated: 2023-09-17. Review status: criteria provided, single submitter. Criteria: ACMG Guidelines, 2015. Collection method: clinical testing. Allele origin: germline. Inheritance: Autosomal dominant inheritance. Observed: 1 variant allele, 1 heterozygote.
Comment: This study involves interpretation of variants in research participants for the purpose of population health screening. Participant phenotype was not available at the time of variant classification. Additional details can be found in publication PMID: 35346344, PMCID: PMC8962531

Blueprint Genetics
Classification: Likely benign. Last evaluated: 2022-03-04. Review status: criteria provided, single submitter. Criteria: ACMG Guidelines, 2015. Collection method: clinical testing. Allele origin: germline.

NM_024422.6(DSC2):c.2637T>C (p.Asp879=)

Gene: DSC2 (desmocollin 2; minus strand). Cytogenetic location: 18q12.1.
Variant type: single nucleotide variant.
Coding change: c.2637T>C on transcript NM_024422.6 (MANE Select); coding-DNA position 2637, T replaced by C.
Protein change: p.Asp879=; no amino-acid change (aspartic acid 879 retained).
Molecular consequence: synonymous variant. On other transcripts: 3 prime UTR variant (2).
Genome position (GRCh38, 1-based): chr18:31,068,084, A>G on the plus strand (T>C on the coding strand, the complement: DSC2 is on the minus strand). VCF-style: chr18-31068084-A-G. GRCh37 (hg19) VCF-style: chr18-28648050-A-G.
Other names: c.2208T>C, p.Asp736= (NM_001406506.1); c.*139T>C (NM_001406507.1, NM_004949.5).
Identifiers: ClinVar variation 3073398 (VCV003073398.3), dbSNP rs1365369565, ClinGen allele CA503527602.
Genomic context (GRCh38, chr18:31,068,084, plus strand): 5'-CATGCATGCTTCTGCTAGTGTCCTAAATTTGGGCTCCAAATTATCCAAAAATTCAAGCCC[A>G]TCTTCTTCTTGTCGTTCACTGCAACAACCTACAGACCCAGCCACCGATCCTCTTCCTTCA-3'
Protein context (NP_077740.1, residues 869-889): VGCCSERQEE[Asp879=]GLEFLDNLEP